The following is an entry in ClinVar:

NM_006044.4(HDAC6):c.3574C>T (p.His1192Tyr)

Gene: HDAC6 (histone deacetylase 6; plus strand). Cytogenetic location: Xp11.23.
Variant type: single nucleotide variant.
Coding change: c.3574C>T on transcript NM_006044.4 (MANE Select); coding-DNA position 3574, C replaced by T.
Protein change: p.His1192Tyr; replaces histidine 1192 with tyrosine.
Molecular consequence: missense variant. On other transcripts: non-coding transcript variant (1).
Genome position (GRCh38, 1-based): chrX:48,824,289, C>T. VCF-style: chrX-48824289-C-T. GRCh37 (hg19) VCF-style: chrX-48682699-C-T.
Other names: c.3616C>T, p.His1206Tyr (NM_001321225.2); c.3574C>T, p.His1192Tyr (NM_001321226.2, NM_001321227.2, NM_001321228.2 and 1 more transcripts); short protein forms H1192Y, H1206Y.
Identifiers: ClinVar variation 4675189 (VCV004675189.1).

ClinVar aggregate classification (germline): Uncertain significance (1 of 4 stars; one submission).

gnomAD v4.1: 26 of 1,209,274 alleles (0.0022%); highest among the groups gnomAD compares: Non-Finnish European, 0.0028%; no homozygotes.

Submission:

Ambry Genetics
Classification: Uncertain significance. Last evaluated: 2025-09-27. Review status: criteria provided, single submitter. Criteria: Ambry Variant Classification Scheme 2023. Collection method: clinical testing. Allele origin: germline.
Comment: The c.3574C>T (p.H1192Y) alteration is located in exon 28 (coding exon 27) of the HDAC6 gene. This alteration results from a C to T substitution at nucleotide position 3574, causing the histidine (H) at amino acid position 1192 to be replaced by a tyrosine (Y). Based on data from gnomAD, the T allele has an overall frequency of 0.001% (1/179411) total alleles studied. The highest observed frequency was 0.001% (1/79963) of European (non-Finnish) alleles. Based on insufficient or conflicting evidence, the clinical significance of this alteration remains unclear.